The following is an entry in ClinVar:

ClinVar aggregate classification (germline): Uncertain significance. Review status: criteria provided, multiple submitters, no conflicts (2 of 4 stars). 3 submissions from 3 submitters: Uncertain significance (3). Last evaluated 2025-05-01.

Conditions:
Hereditary cancer-predisposing syndrome. Also called: Neoplastic Syndromes, Hereditary; Tumor predisposition; Hereditary Cancer Syndrome; Hereditary neoplastic syndrome. Identifiers: Orphanet 140162, MedGen C0027672, MeSH D009386, MONDO:0015356.
Familial adenomatous polyposis 1 (FAP1). Also called: FAMILIAL ADENOMATOUS POLYPOSIS 1, ATTENUATED; POLYPOSIS, ADENOMATOUS INTESTINAL. Identifiers: MedGen C2713442, MONDO:0021056, OMIM 175100. Disease mechanism: loss of function.

Allele frequency attached by ClinVar (database versions not stated): gnomAD 0.00001.
gnomAD v4.1: 1 of 1,614,010 alleles (0.000062%); highest among the groups gnomAD compares: African/African-American, 0.0013%; no homozygotes.

Submissions (3):

Ambry Genetics
Classification: Uncertain significance for Hereditary cancer-predisposing syndrome. Last evaluated: 2025-05-01. Review status: criteria provided, single submitter. Criteria: Ambry Variant Classification Scheme 2023. Collection method: clinical testing. Allele origin: germline.
Comment: The p.F1396L variant (also known as c.4188T>A), located in coding exon 15 of the APC gene, results from a T to A substitution at nucleotide position 4188. The phenylalanine at codon 1396 is replaced by leucine, an amino acid with highly similar properties. This amino acid position is highly conserved in available vertebrate species. In addition, in silico predictors for this gene do not accurately predict pathogenicity. Missense alterations in APC are not a common cause of disease (Spier I et al. Genet Med. 2024 Feb;26(2):100992). Based on the available evidence, the clinical significance of this variant remains unclear.

Labcorp Genetics (formerly Invitae), Labcorp
Classification: Uncertain significance for Familial adenomatous polyposis 1. Last evaluated: 2024-08-27. Review status: criteria provided, single submitter. Criteria: Invitae Variant Classification Sherloc (09022015). Collection method: clinical testing. Allele origin: germline.
Comment: This sequence change replaces phenylalanine, which is neutral and non-polar, with leucine, which is neutral and non-polar, at codon 1396 of the APC protein (p.Phe1396Leu). This variant is not present in population databases (gnomAD no frequency). This variant has not been reported in the literature in individuals affected with APC-related conditions. ClinVar contains an entry for this variant (Variation ID: 482467). Invitae Evidence Modeling of protein sequence and biophysical properties (such as structural, functional, and spatial information, amino acid conservation, physicochemical variation, residue mobility, and thermodynamic stability) indicates that this missense variant is not expected to disrupt APC protein function with a negative predictive value of 95%. In summary, the available evidence is currently insufficient to determine the role of this variant in disease. Therefore, it has been classified as a Variant of Uncertain Significance.

Color Diagnostics, LLC DBA Color Health
Classification: Uncertain significance for Hereditary cancer-predisposing syndrome. Last evaluated: 2023-12-04. Review status: criteria provided, single submitter. Criteria: ACMG Guidelines, 2015. Collection method: clinical testing. Allele origin: germline.
Comment: This missense variant replaces phenylalanine with leucine at codon 1396 of the APC protein. Computational prediction is inconclusive regarding the impact of this variant on protein structure and function (internally defined REVEL score threshold 0.5 < inconclusive < 0.7, PMID: 27666373). To our knowledge, functional studies have not been reported for this variant. This variant has not been reported in individuals affected with APC-related disorders in the literature. This variant has not been identified in the general population by the Genome Aggregation Database (gnomAD). The available evidence is insufficient to determine the role of this variant in disease conclusively. Therefore, this variant is classified as a Variant of Uncertain Significance.

NM_000038.6(APC):c.4188T>A (p.Phe1396Leu)

Gene: APC (APC regulator of Wnt signaling pathway; plus strand). Cytogenetic location: 5q22.2.
Variant type: single nucleotide variant.
Coding change: c.4188T>A on transcript NM_000038.6 (MANE Select); coding-DNA position 4188, T replaced by A.
Protein change: p.Phe1396Leu; replaces phenylalanine 1396 with leucine.
Molecular consequence: missense variant.
Genome position (GRCh38, 1-based): chr5:112,839,782, T>A. VCF-style: chr5-112839782-T-A. GRCh37 (hg19) VCF-style: chr5-112175479-T-A.
Other names: c.4188T>A, p.Phe1396Leu (NM_001127510.3, NM_001354895.2); c.4134T>A, p.Phe1378Leu (NM_001127511.3); c.4242T>A, p.Phe1414Leu (NM_001354896.2); c.4218T>A, p.Phe1406Leu (NM_001354897.2); c.4113T>A, p.Phe1371Leu (NM_001354898.2); c.4104T>A, p.Phe1368Leu (NM_001354899.2); c.4065T>A, p.Phe1355Leu (NM_001354900.2); c.4011T>A, p.Phe1337Leu (NM_001354901.2); and 5 more; short protein forms F1396L, F1378L, F1270L, F1355L, F1295L, F1305L, F1368L, F1371L.
Identifiers: ClinVar variation 482467 (VCV000482467.14), dbSNP rs1554085596, ClinGen allele CA16030508.